The following is an entry in ClinVar:

ClinVar aggregate classification (germline): Pathogenic/Likely pathogenic. Review status: criteria provided, multiple submitters, no conflicts (2 of 4 stars). 2 submissions from 2 submitters: Pathogenic (1); Likely pathogenic (1). Last evaluated 2025-11-10.

Conditions:
Metaphyseal chondrodysplasia, McKusick type (CHH). Also called: Cartilage-Hair Hypoplasia (CHH); Cartilage-hair hypoplasia. Identifiers: Orphanet 175, MedGen C0220748, MONDO:0009595, OMIM 250250.
Anauxetic dysplasia. Identifiers: Orphanet 93347, MedGen C1846796, MONDO:0011773.

Allele frequency attached by ClinVar (database versions not stated): TOPMed 0.00001; gnomAD 0.00001.

Submissions (2):

Natera, Inc.
Classification: Pathogenic for Cartilage-hair hypoplasia. Last evaluated: 2025-11-10. Review status: criteria provided, single submitter. Criteria: Natera Variant Classification Schema (03/2026). Collection method: clinical testing. Allele origin: germline.
Comment: The n.-20_-8dupCTCTGTGAAGCTG variant in RMRP is a duplication affecting the RMRP promoter region between the TATA box and the transcription initiation site. Other duplications and insertions just upstream of the transcription initiation site have been reported in individuals affected with cartilage-hair hypoplasia (PMID: 11207361, 17937437). This variant is rare in the general population with a frequency below the threshold expected for the associated phenotype(s). This variant has been observed in one or more individuals affected with the associated recessive disease, as either homozygous or compound heterozygous with a second variant (PMID: 30408610). This variant has been observed to segregate with disease in multiple affected family members (PMID: 30408610). Given the available evidence, this variant is classified as Pathogenic.

Labcorp Genetics (formerly Invitae), Labcorp
Classification: Likely pathogenic for Anauxetic dysplasia. Last evaluated: 2020-07-12. Review status: criteria provided, single submitter. Criteria: Invitae Variant Classification Sherloc (09022015). Collection method: clinical testing. Allele origin: germline.
Comment: While functional studies for this variant have not been reported, experimental analyses using patient derived cells, as well as in vitro transfection studies, have shown that promoter insertions result in silencing of RMRP transcription and reduced expression of the gene product (PMID: 11207361, 16254002). While this particular variant has not been reported in the literature, it is located in the promoter region between the TATA box and the transcription initiation site, and other insertions and duplications immediately upstream of the coding sequence have been reported in individuals affected with cartilage-hair hypoplasia-anauxetic dysplasia (CHH-AD) spectrum disorders (PMID: 16244706, 11207361, 12107819). The frequency data for this variant in the population databases is considered unreliable, as metrics indicate insufficient coverage at this position in the ExAC database. This variant occurs in the RMRP gene, which encodes an RNA molecule that does not result in a protein product. In summary, the currently available evidence indicates that the variant is pathogenic, but additional data are needed to prove that conclusively. Therefore, this variant has been classified as Likely Pathogenic.

Literature cited by the submitters: PubMed 11207361 (cited by Natera, Inc. and Labcorp Genetics (formerly Invitae), Labcorp); PubMed 17937437 (cited by Natera, Inc.); PubMed 30408610 (cited by Natera, Inc.); PubMed 16254002 (cited by Labcorp Genetics (formerly Invitae), Labcorp); PubMed 16244706 (cited by Labcorp Genetics (formerly Invitae), Labcorp); PubMed 12107819 (cited by Labcorp Genetics (formerly Invitae), Labcorp).

NR_003051.3(RMRP):n.-20_-8dupCTCTGTGAAGCTG

Gene: RMRP (RNA component of mitochondrial RNA processing endoribonuclease; minus strand). Cytogenetic location: 9p13.3.
Variant type: Duplication.
Genome position: GRCh38 VCF-style: chr9-35658025-T-TCAGCTTCACAGAG. GRCh37 (hg19) VCF-style: chr9-35658022-T-TCAGCTTCACAGAG.
Identifiers: ClinVar variation 1066553 (VCV001066553.10), dbSNP rs1823640657, ClinGen allele CA1123199905.